The following is an entry in ClinVar:

ClinVar aggregate classification (germline): Uncertain significance (1 of 4 stars; one submission).

Conditions:
Congenital myasthenic syndrome 2A. Also called: Myasthenic syndrome, congenital, 2a, slow-channel. Identifiers: Orphanet 590, MedGen C4225374, MONDO:0014581, OMIM 616313.

Submission:

Labcorp Genetics (formerly Invitae), Labcorp
Classification: Uncertain significance for Congenital myasthenic syndrome 2A. Last evaluated: 2024-10-03. Review status: criteria provided, single submitter. Criteria: Invitae Variant Classification Sherloc (09022015). Collection method: clinical testing. Allele origin: germline.
Comment: This sequence change falls in intron 2 of the CHRNB1 gene. It does not directly change the encoded amino acid sequence of the CHRNB1 protein. It affects a nucleotide within the consensus splice site. This variant is not present in population databases (gnomAD no frequency). This variant has not been reported in the literature in individuals affected with CHRNB1-related conditions. Variants that disrupt the consensus splice site are a relatively common cause of aberrant splicing (PMID: 17576681, 9536098). Algorithms developed to predict the effect of sequence changes on RNA splicing suggest that this variant is not likely to affect RNA splicing. In summary, the available evidence is currently insufficient to determine the role of this variant in disease. Therefore, it has been classified as a Variant of Uncertain Significance.

Literature cited by the submitters: PubMed 17576681; PubMed 9536098.

NM_000747.3(CHRNB1):c.198+6G>A

Gene: CHRNB1 (cholinergic receptor nicotinic beta 1 subunit; plus strand). Cytogenetic location: 17p13.1.
Variant type: single nucleotide variant.
Coding change: c.198+6G>A on transcript NM_000747.3 (MANE Select); 6 bases into the intron after coding-DNA position 198, G replaced by A.
Molecular consequence: intron variant.
Genome position (GRCh38, 1-based): chr17:7,445,415, G>A. VCF-style: chr17-7445415-G-A. GRCh37 (hg19) VCF-style: chr17-7348734-G-A.
Identifiers: ClinVar variation 3722141 (VCV003722141.2).